The following is an entry in ClinVar:

NM_000382.3(ALDH3A2):c.816_817insTTTT (p.Ile273fs)

Gene: ALDH3A2 (aldehyde dehydrogenase 3 family member A2; plus strand). Cytogenetic location: 17p11.2.
Variant type: Insertion.
Coding change: c.816_817insTTTT on transcript NM_000382.3 (MANE Select); coding-DNA positions 816 to 817, TTTT inserted.
Protein change: p.Ile273fs; shifts the reading frame from isoleucine 273.
Molecular consequence: frameshift variant.
Genome position: GRCh38 VCF-style: chr17-19661143-A-ATTTT. GRCh37 (hg19) VCF-style: chr17-19564456-A-ATTTT.
Other names: c.816_817insTTTT, p.Ile273fs (NM_001031806.2, NM_001369136.1, NM_001369137.2 and 3 more transcripts); c.237_238insTTTT, p.Ile80fs (NM_001369148.2); short protein forms I273fs, I80fs.
Identifiers: ClinVar variation 5012573 (VCV005012573.1).

ClinVar aggregate classification (germline): Pathogenic (1 of 4 stars; one submission).

Conditions:
Sjögren-Larsson syndrome (SLS). Also called: FALDH DEFICIENCY; FATTY ALCOHOL:NAD+ OXIDOREDUCTASE DEFICIENCY; FATTY ALDEHYDE DEHYDROGENASE DEFICIENCY; ICHTHYOSIS, SPASTIC NEUROLOGIC DISORDER, AND OLIGOPHRENIA. Identifiers: Orphanet 816, MedGen C0037231, MONDO:0010031, OMIM 270200.

Submission:

Myriad Genetics, Inc.
Classification: Pathogenic for Sjögren-Larsson syndrome. Last evaluated: 2023-12-14. Review status: criteria provided, single submitter. Criteria: Myriad Autosomal Dominant, Autosomal Recessive and X-Linked Classification Criteria (2023). Collection method: clinical testing. Allele origin: unknown.
Comment: NM_000382.2(ALDH3A2):c.816_817insTTTT(I273Ffs*7) is expected to be pathogenic in the context of Sjogren-Larsson syndrome. This variant is predicted to lead to an abnormal or absent protein product due to the creation of a premature termination codon in ALDH3A2, a gene where loss-of-function variants are known to be pathogenic. Please note: this variant was assessed in the context of healthy population screening.